The following is an entry in ClinVar:

NM_005802.5(TOPORS):c.3034C>A (p.Pro1012Thr)

Gene: TOPORS (TOP1 binding arginine/serine rich protein, E3 ubiquitin ligase; minus strand). Cytogenetic location: 9p21.1.
Variant type: single nucleotide variant.
Coding change: c.3034C>A on transcript NM_005802.5 (MANE Select); coding-DNA position 3034, C replaced by A.
Protein change: p.Pro1012Thr; replaces proline 1012 with threonine.
Molecular consequence: missense variant.
Genome position (GRCh38, 1-based): chr9:32,541,491, G>T on the plus strand (C>A on the coding strand, the complement: TOPORS is on the minus strand). VCF-style: chr9-32541491-G-T. GRCh37 (hg19) VCF-style: chr9-32541489-G-T.
Other names: c.2839C>A, p.Pro947Thr (NM_001195622.2); short protein forms P1012T, P947T.
Identifiers: ClinVar variation 1018532 (VCV001018532.8), dbSNP rs1417094098, ClinGen allele CA373159508.

ClinVar aggregate classification (germline): Uncertain significance (1 of 4 stars; one submission).

Submission:

Labcorp Genetics (formerly Invitae), Labcorp
Classification: Uncertain significance. Last evaluated: 2022-08-09. Review status: criteria provided, single submitter. Criteria: Invitae Variant Classification Sherloc (09022015). Collection method: clinical testing. Allele origin: germline.
Comment: ClinVar contains an entry for this variant (Variation ID: 1018532). Algorithms developed to predict the effect of missense changes on protein structure and function are either unavailable or do not agree on the potential impact of this missense change (SIFT: "Tolerated"; PolyPhen-2: "Not Available"; Align-GVGD: "Class C0"). In summary, the available evidence is currently insufficient to determine the role of this variant in disease. Therefore, it has been classified as a Variant of Uncertain Significance. This variant has not been reported in the literature in individuals affected with TOPORS-related conditions. This sequence change replaces proline, which is neutral and non-polar, with threonine, which is neutral and polar, at codon 1012 of the TOPORS protein (p.Pro1012Thr). This variant is not present in population databases (gnomAD no frequency).